The following is an entry in ClinVar:

ClinVar aggregate classification (germline): Uncertain significance (1 of 4 stars; one submission).

Allele frequency attached by ClinVar (database versions not stated): gnomAD exomes below 0.00001.
gnomAD v4.1: 1 of 1,614,192 alleles (0.000062%); highest among the groups gnomAD compares: East Asian, 0.0022%; no homozygotes.

Submission:

Labcorp Genetics (formerly Invitae), Labcorp
Classification: Uncertain significance. Last evaluated: 2022-08-08. Review status: criteria provided, single submitter. Criteria: Invitae Variant Classification Sherloc (09022015). Collection method: clinical testing. Allele origin: germline.
Comment: This sequence change replaces serine, which is neutral and polar, with threonine, which is neutral and polar, at codon 339 of the WARS2 protein (p.Ser339Thr). This variant is present in population databases (no rsID available, gnomAD 0.006%). This variant has not been reported in the literature in individuals affected with WARS2-related conditions. Algorithms developed to predict the effect of missense changes on protein structure and function (SIFT, PolyPhen-2, Align-GVGD) all suggest that this variant is likely to be tolerated. In summary, the available evidence is currently insufficient to determine the role of this variant in disease. Therefore, it has been classified as a Variant of Uncertain Significance.

NM_015836.4(WARS2):c.1015T>A (p.Ser339Thr)

Gene: WARS2 (tryptophanyl tRNA synthetase 2, mitochondrial; minus strand). Cytogenetic location: 1p12.
Variant type: single nucleotide variant.
Coding change: c.1015T>A on transcript NM_015836.4 (MANE Select); coding-DNA position 1015, T replaced by A.
Protein change: p.Ser339Thr; replaces serine 339 with threonine.
Molecular consequence: missense variant. On other transcripts: 3 prime UTR variant (2).
Genome position (GRCh38, 1-based): chr1:119,032,979, A>T on the plus strand (T>A on the coding strand, the complement: WARS2 is on the minus strand). VCF-style: chr1-119032979-A-T. GRCh37 (hg19) VCF-style: chr1-119575602-A-T.
Other names: c.946T>A, p.Ser316Thr (NM_001378226.1, NM_001378227.1); c.844T>A, p.Ser282Thr (NM_001378228.1); c.757T>A, p.Ser253Thr (NM_001378229.1); c.733T>A, p.Ser245Thr (NM_001378230.1); c.*350T>A (NM_001378231.1); c.*381T>A (NM_201263.2); short protein forms S245T, S253T, S282T, S316T, S339T.
Identifiers: ClinVar variation 1715521 (VCV001715521.5), dbSNP rs1332510652, ClinGen allele CA341436148.